The following is an entry in ClinVar:

ClinVar aggregate classification (germline): Uncertain significance. Review status: criteria provided, multiple submitters, no conflicts (2 of 4 stars). 2 submissions from 2 submitters: Uncertain significance (2). Last evaluated 2025-10-29.

Conditions:
Spastic paraplegia. Identifiers: MedGen C0037772, HP:0001258.

Allele frequency attached by ClinVar (database versions not stated): ExAC 0.00002; gnomAD exomes 0.00003; TOPMed 0.00003; gnomAD 0.00004.

Submissions (2):

Ambry Genetics
Classification: Uncertain significance. Last evaluated: 2025-10-29. Review status: criteria provided, single submitter. Criteria: Ambry Variant Classification Scheme 2023. Collection method: clinical testing. Allele origin: germline.

Labcorp Genetics (formerly Invitae), Labcorp
Classification: Uncertain significance for Spastic paraplegia. Last evaluated: 2022-08-27. Review status: criteria provided, single submitter. Criteria: Invitae Variant Classification Sherloc (09022015). Collection method: clinical testing. Allele origin: germline.
Comment: In summary, the available evidence is currently insufficient to determine the role of this variant in disease. Therefore, it has been classified as a Variant of Uncertain Significance. Algorithms developed to predict the effect of missense changes on protein structure and function are either unavailable or do not agree on the potential impact of this missense change (SIFT: "Deleterious"; PolyPhen-2: "Possibly Damaging"; Align-GVGD: "Class C15"). This variant has not been reported in the literature in individuals affected with ARSI-related conditions. This variant is present in population databases (rs200086018, gnomAD 0.04%). This sequence change replaces arginine, which is basic and polar, with cysteine, which is neutral and slightly polar, at codon 283 of the ARSI protein (p.Arg283Cys).

NM_001012301.4(ARSI):c.847C>T (p.Arg283Cys)

Gene: ARSI (arylsulfatase family member I; minus strand). Cytogenetic location: 5q32.
Variant type: single nucleotide variant.
Coding change: c.847C>T on transcript NM_001012301.4 (MANE Select); coding-DNA position 847, C replaced by T.
Protein change: p.Arg283Cys; replaces arginine 283 with cysteine.
Molecular consequence: missense variant.
Genome position (GRCh38, 1-based): chr5:150,298,077, G>A on the plus strand (C>T on the coding strand, the complement: ARSI is on the minus strand). VCF-style: chr5-150298077-G-A. GRCh37 (hg19) VCF-style: chr5-149677640-G-A.
Other names: c.847C>T (NM_001012301.2); short protein forms R283C.
Identifiers: ClinVar variation 1947709 (VCV001947709.8), dbSNP rs200086018, ClinGen allele CA3510232.